The following is an entry in ClinVar:

NM_000258.3(MYL3):c.9C>G (p.Pro3=)

Gene: MYL3 (myosin light chain 3; minus strand). Cytogenetic location: 3p21.31.
Variant type: single nucleotide variant.
Coding change: c.9C>G on transcript NM_000258.3 (MANE Select); coding-DNA position 9, C replaced by G.
Protein change: p.Pro3=; no amino-acid change (proline 3 retained).
Molecular consequence: synonymous variant.
Genome position (GRCh38, 1-based): chr3:46,863,382, G>C on the plus strand (C>G on the coding strand, the complement: MYL3 is on the minus strand). VCF-style: chr3-46863382-G-C. GRCh37 (hg19) VCF-style: chr3-46904872-G-C.
Identifiers: ClinVar variation 43132 (VCV000043132.5), dbSNP rs397516280, ClinGen allele CA014116.
Genomic context (GRCh38, chr3:46,863,382, plus strand): 5'-GGGAGCTGGAGCTGCCTTGGGGGCTGCCTTGGCATCATCCTTCTTGGGCTCTGGCTTTTT[G>C]GGGGCCATTGGGGGCTGTAAGTACAGAGAGGGATGTGGAGAGAAGAATGCAGAAAGCAGG-3'
Protein context (NP_000249.1, residues 1-13): MA[Pro3=]KKPEPKKDDA

ClinVar aggregate classification (germline): Likely benign (1 of 4 stars; one submission).

Submission:

Laboratory for Molecular Medicine, Mass General Brigham Personalized Medicine
Classification: Likely benign. Last evaluated: 2012-04-13. Review status: criteria provided, single submitter. Criteria: LMM Criteria. Collection method: clinical testing. Allele origin: germline. Observed: 1 variant allele.
Comment: Pro3Pro in exon 1 of MYL3: This variant is not expected to have clinical signifi cance because it does not alter an amino acid residue and is not located within the splice consensus sequence. Pro3Pro in exon 1 of MYL3 (allele frequency = n /a)